The following is an entry in ClinVar:

ClinVar aggregate classification (germline): Uncertain significance (1 of 4 stars; one submission).

Conditions:
Hereditary cancer-predisposing syndrome. Also called: Neoplastic Syndromes, Hereditary; Tumor predisposition; Hereditary Cancer Syndrome; Hereditary neoplastic syndrome. Identifiers: Orphanet 140162, MedGen C0027672, MeSH D009386, MONDO:0015356.

Submission:

Color Diagnostics, LLC DBA Color Health
Classification: Uncertain significance for Hereditary cancer-predisposing syndrome. Last evaluated: 2022-12-24. Review status: criteria provided, single submitter. Criteria: ACMG Guidelines, 2015. Collection method: clinical testing. Allele origin: germline.
Comment: This missense variant replaces valine with leucine at codon 683 of the BRIP1 protein. Computational prediction is inconclusive regarding the impact of this variant on protein structure and function (internally defined REVEL score threshold 0.5 < inconclusive < 0.7, PMID: 27666373). To our knowledge, functional studies have not been reported for this variant. This variant has not been reported in individuals affected with BRIP1-related disorders in the literature. This variant has not been identified in the general population by the Genome Aggregation Database (gnomAD). The available evidence is insufficient to determine the role of this variant in disease conclusively. Therefore, this variant is classified as a Variant of Uncertain Significance.

NM_032043.3(BRIP1):c.2047G>T (p.Val683Leu)

Gene: BRIP1 (BRCA1 interacting DNA helicase 1; minus strand). Cytogenetic location: 17q23.2.
Variant type: single nucleotide variant.
Coding change: c.2047G>T on transcript NM_032043.3 (MANE Select); coding-DNA position 2047, G replaced by T.
Protein change: p.Val683Leu; replaces valine 683 with leucine.
Molecular consequence: missense variant.
Genome position (GRCh38, 1-based): chr17:61,776,451, C>A on the plus strand (G>T on the coding strand, the complement: BRIP1 is on the minus strand). VCF-style: chr17-61776451-C-A. GRCh37 (hg19) VCF-style: chr17-59853812-C-A.
Other names: short protein forms V683L.
Identifiers: ClinVar variation 2774997 (VCV002774997.2), dbSNP rs773347072, ClinGen allele CA400478183.